The following is an entry in ClinVar:

NM_002693.3(POLG):c.3368_3369del (p.Phe1123fs)

Gene: POLG (DNA polymerase gamma, catalytic subunit; minus strand). Cytogenetic location: 15q26.1.
Variant type: Deletion.
Coding change: c.3368_3369del on transcript NM_002693.3 (MANE Select); coding-DNA positions 3368 to 3369, 2 bases deleted (TT; older notation c.3368_3369delTT).
Protein change: p.Phe1123fs; shifts the reading frame from phenylalanine 1123.
Molecular consequence: frameshift variant.
Genome position (GRCh38, 1-based): chr15:89,318,654-89,318,655, AA deleted on the plus strand (TT on the coding strand, the reverse complement: POLG is on the minus strand); deleting any 2 consecutive bases within chr15:89,318,654-89,318,656 gives the same sequence; the c. name uses the placement nearest the transcript's 3' end. VCF-style (leftmost placement, unchanged base first): chr15-89318653-CAA-C. GRCh37 (hg19) VCF-style: chr15-89861884-CAA-C.
Other names: c.3368_3369del, p.Phe1123fs (NM_001126131.2); short protein forms F1123fs.
Identifiers: ClinVar variation 5013517 (VCV005013517.1).

ClinVar aggregate classification (germline): Pathogenic (1 of 4 stars; one submission).

Conditions:
POLG-related disorder. Also called: POLG-Related Spectrum Disorders; POLG-related condition; POLG-Related Disorders. Identifiers: MedGen C4763519.

Submission:

Myriad Genetics, Inc.
Classification: Pathogenic for POLG-related disorder. Last evaluated: 2024-09-02. Review status: criteria provided, single submitter. Criteria: Myriad Autosomal Dominant, Autosomal Recessive and X-Linked Classification Criteria (2023). Collection method: clinical testing. Allele origin: unknown.
Comment: NM_002693.2(POLG):c.3368_3369delTT(F1123Cfs*12) is expected to be pathogenic in the context of POLG-related disorders. This variant is predicted to lead to an abnormal or absent protein product due to the creation of a premature termination codon in POLG, a gene where loss-of-function variants are known to be pathogenic. Please note: this variant was assessed in the context of healthy population screening.